The following is an entry in ClinVar:

ClinVar aggregate classification (germline): Uncertain significance. Review status: criteria provided, multiple submitters, no conflicts (2 of 4 stars). 2 submissions from 2 submitters: Uncertain significance (2). Last evaluated 2021-07-20.

Conditions:
Rienhoff syndrome. Also called: LOEYS-DIETZ SYNDROME 5. Identifiers: MedGen C3810012, MONDO:0014262, OMIM 615582.
Arrhythmogenic right ventricular dysplasia 1. Identifiers: Orphanet 3403, MedGen C1862511, MONDO:0007152, OMIM 107970.

Allele frequency attached by ClinVar (database versions not stated): TOPMed below 0.00001; gnomAD exomes 0.00001 and 0.00002; ExAC 0.00002.

Submissions (2):

Fulgent Genetics
Classification: Uncertain significance for Arrhythmogenic right ventricular dysplasia 1; Rienhoff syndrome. Last evaluated: 2021-07-20. Review status: criteria provided, single submitter. Criteria: ACMG Guidelines, 2015. Collection method: clinical testing. Allele origin: unknown.

Labcorp Genetics (formerly Invitae), Labcorp
Classification: Uncertain significance for Rienhoff syndrome. Last evaluated: 2018-06-11. Review status: criteria provided, single submitter. Criteria: Invitae Variant Classification Sherloc (09022015). Collection method: clinical testing. Allele origin: germline.
Comment: This variant is present in population databases (rs768423844, ExAC 0.004%). In summary, the available evidence is currently insufficient to determine the role of this variant in disease. Therefore, it has been classified as a Variant of Uncertain Significance. Algorithms developed to predict the effect of missense changes on protein structure and function are either unavailable or do not agree on the potential impact of this missense change (SIFT: "Tolerated"; PolyPhen-2: "Probably Damaging"; Align-GVGD: "Class C0"). This variant has not been reported in the literature in individuals with TGFB3-related disease. This sequence change replaces aspartic acid with alanine at codon 303 of the TGFB3 protein (p.Asp303Ala). The aspartic acid residue is highly conserved and there is a moderate physicochemical difference between aspartic acid and alanine.

NM_003239.5(TGFB3):c.908A>C (p.Asp303Ala)

Gene: TGFB3 (transforming growth factor beta 3; minus strand). Cytogenetic location: 14q24.3.
Variant type: single nucleotide variant.
Coding change: c.908A>C on transcript NM_003239.5 (MANE Select); coding-DNA position 908, A replaced by C.
Protein change: p.Asp303Ala; replaces aspartic acid 303 with alanine.
Molecular consequence: missense variant.
Genome position (GRCh38, 1-based): chr14:75,963,334, T>G on the plus strand (A>C on the coding strand, the complement: TGFB3 is on the minus strand). VCF-style: chr14-75963334-T-G. GRCh37 (hg19) VCF-style: chr14-76429677-T-G.
Other names: c.908A>C, p.Asp303Ala (NM_001329938.2, NM_001329939.2); short protein forms D303A.
Identifiers: ClinVar variation 573758 (VCV000573758.10), dbSNP rs768423844, ClinGen allele CA7280312.
Genomic context (GRCh38, chr14:75,963,334, plus strand): 5'-GGCAGGCAGTAGATGTTGGTTCCCATGTGGGCCCAGTCTCACCGGAAGCAGTAATTGGTG[T>G]CCAAAGCCCGCTTCTTCCTCTGACCCCCCTGGCCCGGGTTGTCGAGCCGGTGTGGGGGAA-3'
Protein context (NP_003230.1, residues 293-313): QGGQRKKRAL[Asp303Ala]TNYCFRNLEE